The following is an entry in ClinVar:

ClinVar aggregate classification (germline): Uncertain significance (1 of 4 stars; one submission).

Conditions:
Hypertrophic cardiomyopathy 10. Also called: CARDIOMYOPATHY, HYPERTROPHIC, MID-LEFT VENTRICULAR CHAMBER TYPE, 2; MYL2-Related Familial Hypertrophic Cardiomyopathy. Identifiers: MedGen C1834460, MONDO:0012112, OMIM 608758.

Submission:

Labcorp Genetics (formerly Invitae), Labcorp
Classification: Uncertain significance for Hypertrophic cardiomyopathy 10. Last evaluated: 2020-05-26. Review status: criteria provided, single submitter. Criteria: Invitae Variant Classification Sherloc (09022015). Collection method: clinical testing. Allele origin: germline.
Comment: This sequence change creates a premature translational stop signal (p.Val81Cysfs*34) in the MYL2 gene. It is expected to result in an absent or disrupted protein product. This variant is not present in population databases (ExAC no frequency). This variant has not been reported in the literature in individuals with MYL2-related conditions. The current clinical and genetic evidence is not sufficient to establish whether loss-of-function variants in MYL2 cause disease. In summary, the available evidence is currently insufficient to determine the role of this variant in disease. Therefore, it has been classified as a Variant of Uncertain Significance.

NM_000432.4(MYL2):c.240del (p.Val81fs)

Gene: MYL2 (myosin light chain 2; minus strand). Cytogenetic location: 12q24.11.
Variant type: Deletion.
Coding change: c.240del on transcript NM_000432.4 (MANE Select); coding-DNA position 240, one base deleted (T; older notation c.240delT).
Protein change: p.Val81fs; shifts the reading frame from valine 81.
Molecular consequence: frameshift variant.
Genome position (GRCh38, 1-based): chr12:110,914,220, A deleted on the plus strand (T on the coding strand, the reverse complement: MYL2 is on the minus strand). VCF-style (leftmost placement, unchanged base first): chr12-110914219-CA-C. GRCh37 (hg19) VCF-style: chr12-111352023-CA-C.
Other names: short protein forms V81fs.
Identifiers: ClinVar variation 1041908 (VCV001041908.7), dbSNP rs2071674087, ClinGen allele CA913188516.